The following is an entry in ClinVar:

ClinVar aggregate classification (germline): Uncertain significance. Review status: criteria provided, single submitter (1 of 4 stars). 2 submissions from 2 submitters: Uncertain significance (1). 1 of the submissions does not count toward it. Last evaluated 2023-06-20.

Conditions:
CHD2-related disorder. Also called: CHD2-related condition.

Allele frequency attached by ClinVar (database versions not stated): TOPMed below 0.00001.

Submissions (2):

Blueprint Genetics
Classification: Uncertain significance. Last evaluated: 2023-06-20. Review status: criteria provided, single submitter. Criteria: ACMG Guidelines, 2015. Collection method: clinical testing. Allele origin: germline.

PreventionGenetics, part of Exact Sciences
Classification: Likely benign for CHD2-related condition. Last evaluated: 2023-07-07. Review status: no assertion criteria provided. Collection method: clinical testing. Allele origin: germline. Not counted in ClinVar's aggregate classification.
Comment: This variant is classified as likely benign based on ACMG/AMP sequence variant interpretation guidelines (Richards et al. 2015 PMID: 25741868, with internal and published modifications).

NM_001271.4(CHD2):c.4278+4A>G

Gene: CHD2 (chromodomain helicase DNA binding protein 2; plus strand). Cytogenetic location: 15q26.1.
Variant type: single nucleotide variant.
Coding change: c.4278+4A>G on transcript NM_001271.4 (MANE Select); 4 bases into the intron after coding-DNA position 4278, A replaced by G.
Molecular consequence: intron variant.
Genome position (GRCh38, 1-based): chr15:93,002,321, A>G. VCF-style: chr15-93002321-A-G. GRCh37 (hg19) VCF-style: chr15-93545551-A-G.
Identifiers: ClinVar variation 3036679 (VCV003036679.3), dbSNP rs2054267388, ClinGen allele CA2196385054.
Genomic context (GRCh38, chr15:93,002,321, plus strand): 5'-AGGAAAGACAAAGAAGGGGACAAGGAAAGAAAGAAGTCAAAAGATAAGAAAGAGAAGGTA[A>G]TGATGCCCTTCTGTTCATGCAGATATCCACAGCCTTTGCAATTCGCCATTTGGATTTAGA-3'